The following is an entry in ClinVar:

ClinVar aggregate classification (germline): Uncertain significance (1 of 4 stars; one submission).

Conditions:
Developmental and epileptic encephalopathy, 27 (DEE27). Also called: GRIN2B-Related Neurodevelopmental Disorder; Epileptic encephalopathy, early infantile, 27. Identifiers: Orphanet 3451, MedGen C4015316, MONDO:0014505, OMIM 616139.
Intellectual developmental disorder, autosomal dominant 6, with or without seizures. Also called: Intellectual disability, autosomal dominant 6; GRIN2B-related developmental delay, intellectual disability and autism spectrum disorder. Identifiers: Orphanet 589547, MedGen C3151411, MONDO:0013509, OMIM 613970.

Allele frequency attached by ClinVar (database versions not stated): gnomAD exomes below 0.00001; TOPMed 0.00001.
gnomAD v4.1: 1 of 1,614,220 alleles (0.000062%); highest among the groups gnomAD compares: African/African-American, 0.0013%; no homozygotes.

Submission:

Labcorp Genetics (formerly Invitae), Labcorp
Classification: Uncertain significance for Developmental and epileptic encephalopathy, 27; Intellectual developmental disorder, autosomal dominant 6, with or without seizures. Last evaluated: 2020-04-28. Review status: criteria provided, single submitter. Criteria: Invitae Variant Classification Sherloc (09022015). Collection method: clinical testing. Allele origin: germline.
Comment: In summary, the available evidence is currently insufficient to determine the role of this variant in disease. Therefore, it has been classified as a Variant of Uncertain Significance. Algorithms developed to predict the effect of missense changes on protein structure and function are either unavailable or do not agree on the potential impact of this missense change (SIFT: "Tolerated"; PolyPhen-2: "Possibly Damaging"; Align-GVGD: "Class C0"). This variant has not been reported in the literature in individuals with GRIN2B-related conditions. This variant is not present in population databases (ExAC no frequency). This sequence change replaces leucine with valine at codon 1263 of the GRIN2B protein (p.Leu1263Val). The leucine residue is moderately conserved and there is a small physicochemical difference between leucine and valine.

NM_000834.5(GRIN2B):c.3787C>G (p.Leu1263Val)

Gene: GRIN2B (glutamate ionotropic receptor NMDA type subunit 2B; minus strand). Cytogenetic location: 12p13.1.
Variant type: single nucleotide variant.
Coding change: c.3787C>G on transcript NM_000834.5 (MANE Select); coding-DNA position 3787, C replaced by G.
Protein change: p.Leu1263Val; replaces leucine 1263 with valine.
Molecular consequence: missense variant.
Genome position (GRCh38, 1-based): chr12:13,563,451, G>C on the plus strand (C>G on the coding strand, the complement: GRIN2B is on the minus strand). VCF-style: chr12-13563451-G-C. GRCh37 (hg19) VCF-style: chr12-13716385-G-C.
Other names: short protein forms L1263V.
Identifiers: ClinVar variation 1002367 (VCV001002367.9), dbSNP rs1378542850, ClinGen allele CA383987492.